The following is an entry in ClinVar:

NM_001916.5(CYC1):c.643C>T (p.Leu215Phe)

Gene: CYC1 (cytochrome c1; plus strand). Cytogenetic location: 8q24.3.
Variant type: single nucleotide variant.
Coding change: c.643C>T on transcript NM_001916.5 (MANE Select); coding-DNA position 643, C replaced by T.
Protein change: p.Leu215Phe; replaces leucine 215 with phenylalanine.
Molecular consequence: missense variant.
Genome position (GRCh38, 1-based): chr8:144,096,615, C>T. VCF-style: chr8-144096615-C-T. GRCh37 (hg19) VCF-style: chr8-145151518-C-T.
Other names: short protein forms L215F.
Identifiers: ClinVar variation 66020 (VCV000066020.5), dbSNP rs587777042, ClinGen allele CA144827.

ClinVar aggregate classification (germline): Pathogenic. Review status: criteria provided, single submitter (1 of 4 stars). 2 submissions from 2 submitters: Pathogenic (1). 1 of the submissions does not count toward it. Last evaluated 2025-11-20.

Conditions:
Mitochondrial complex III deficiency nuclear type 6. Identifiers: MedGen C3809553, MONDO:0014194, OMIM 615453.

Allele frequency attached by ClinVar (database versions not stated): gnomAD exomes below 0.00001; ExAC 0.00001.

Submissions (2):

GeneDx
Classification: Pathogenic. Last evaluated: 2025-11-20. Review status: criteria provided, single submitter. Criteria: GeneDx Variant Classification Process June 2021. Collection method: clinical testing. Allele origin: germline. Affected: yes.
Comment: Published functional studies demonstrate a damaging effect; the L215F variant significantly reduced NADH-cytochrome c reductase activity (PMID: 23910460); Not observed at a significant frequency in large population cohorts (gnomAD); In silico analysis supports that this missense variant has a deleterious effect on protein structure/function; This variant is associated with the following publications: (PMID: 23910460, 25914718, 27074787)

OMIM
Classification: Pathogenic for MITOCHONDRIAL COMPLEX III DEFICIENCY, NUCLEAR TYPE 6. Last evaluated: 2013-08-08. Review status: no assertion criteria provided. Collection method: literature only. Allele origin: germline. Not counted in ClinVar's aggregate classification.

Literature cited by the submitters: PubMed 23910460 (cited by OMIM).